The following is an entry in ClinVar:

ClinVar aggregate classification (germline): Uncertain significance. Review status: criteria provided, multiple submitters, no conflicts (2 of 4 stars). 2 submissions from 2 submitters: Uncertain significance (2). Last evaluated 2022-04-27.

Conditions:
Neurofibromatosis-Noonan syndrome (NFNS). Also called: NEUROFIBROMATOSIS WITH NOONAN PHENOTYPE. Identifiers: Orphanet 638, MedGen C2931482, MONDO:0011035, OMIM 601321. Disease mechanism: loss of function.
Café-au-lait macules with pulmonary stenosis (WTSN). Also called: PULMONIC STENOSIS WITH CAFE-AU-LAIT SPOTS. Identifiers: MedGen C0553586, MONDO:0008672, OMIM 193520.
Juvenile myelomonocytic leukemia (JMML). Also called: LEUKEMIA, JUVENILE MYELOMONOCYTIC, SOMATIC. Identifiers: Orphanet 86834, MedGen C0349639, MONDO:0011908, OMIM 607785, HP:0012209.
Neurofibromatosis, type 1 (NF1). Also called: Neurofibromatosis, type I; Peripheral type neurofibromatosis; VON RECKLINGHAUSEN DISEASE; NEUROFIBROMATOSIS, TYPE I, SOMATIC. Identifiers: Orphanet 636, MedGen C0027831, MONDO:0018975, OMIM 162200. Disease mechanism: loss of function.
Neurofibromatosis, familial spinal (FSNF). Identifiers: Orphanet 636, MedGen C1834235, MONDO:0008078, OMIM 162210. Disease mechanism: loss of function.
Hereditary cancer-predisposing syndrome. Also called: Neoplastic Syndromes, Hereditary; Hereditary Cancer Syndrome; Hereditary neoplastic syndrome; Tumor predisposition. Identifiers: Orphanet 140162, MedGen C0027672, MeSH D009386, MONDO:0015356.
Cardiovascular phenotype. Identifiers: MedGen CN230736.

Submissions (2):

Fulgent Genetics
Classification: Uncertain significance for Neurofibromatosis, type 1; Neurofibromatosis, familial spinal; Café-au-lait macules with pulmonary stenosis; Neurofibromatosis-Noonan syndrome; Juvenile myelomonocytic leukemia. Last evaluated: 2022-04-27. Review status: criteria provided, single submitter. Criteria: ACMG Guidelines, 2015. Collection method: clinical testing. Allele origin: unknown.

Ambry Genetics
Classification: Uncertain significance for Cardiovascular phenotype; Hereditary cancer-predisposing syndrome. Last evaluated: 2018-11-26. Review status: criteria provided, single submitter. Criteria: Ambry Variant Classification Scheme 2023. Collection method: clinical testing. Allele origin: germline.
Comment: The p.L2189F variant (also known as c.6567G>C), located in coding exon 42 of the NF1 gene, results from a G to C substitution at nucleotide position 6567. The leucine at codon 2189 is replaced by phenylalanine, an amino acid with highly similar properties. This amino acid position is highly conserved in available vertebrate species. In addition, the in silico prediction for this alteration is inconclusive. Since supporting evidence is limited at this time, the clinical significance of this alteration remains unclear.

NM_001042492.3(NF1):c.6630G>C (p.Leu2210Phe)

Gene: NF1 (neurofibromin 1; plus strand). Cytogenetic location: 17q11.2.
Variant type: single nucleotide variant.
Coding change: c.6630G>C on transcript NM_001042492.3 (MANE Select); coding-DNA position 6630, G replaced by C.
Protein change: p.Leu2210Phe; replaces leucine 2210 with phenylalanine.
Molecular consequence: missense variant.
Genome position (GRCh38, 1-based): chr17:31,337,570, G>C. VCF-style: chr17-31337570-G-C. GRCh37 (hg19) VCF-style: chr17-29664588-G-C.
Other names: c.6567G>C, p.Leu2189Phe (NM_000267.4); short protein forms L2210F, L2189F.
Identifiers: ClinVar variation 826486 (VCV000826486.5), dbSNP rs886052801, ClinGen allele CA399013515.